The following is an entry in ClinVar:

NM_000455.5(STK11):c.1068C>T (p.Ile356=)

Genes: STK11 (serine/threonine kinase 11; plus strand), LOC130062899 (ATAC-STARR-seq lymphoblastoid active region 13597; plus strand). Cytogenetic location: 19p13.3.
Variant type: single nucleotide variant.
Coding change: c.1068C>T on transcript NM_000455.5 (MANE Select); coding-DNA position 1068, C replaced by T.
Protein change: p.Ile356=; no amino-acid change (isoleucine 356 retained).
Molecular consequence: synonymous variant.
Genome position (GRCh38, 1-based): chr19:1,223,132, C>T. VCF-style: chr19-1223132-C-T. GRCh37 (hg19) VCF-style: chr19-1223131-C-T.
Identifiers: ClinVar variation 412547 (VCV000412547.23), dbSNP rs187744790, ClinGen allele CA045028.

ClinVar aggregate classification (germline): Benign/Likely benign. Review status: criteria provided, multiple submitters, no conflicts (2 of 4 stars). 8 submissions from 8 submitters: Benign (2); Likely benign (6). Last evaluated 2025-11-27.

Conditions:
Hereditary cancer-predisposing syndrome. Also called: Neoplastic Syndromes, Hereditary; Tumor predisposition; Hereditary Cancer Syndrome; Hereditary neoplastic syndrome. Identifiers: Orphanet 140162, MedGen C0027672, MeSH D009386, MONDO:0015356.
Peutz-Jeghers syndrome (PJS). Also called: POLYPOSIS, HAMARTOMATOUS INTESTINAL; POLYPS-AND-SPOTS SYNDROME; Peutz-Jeghers polyposis; Periorificial lentiginosis syndrome. Identifiers: Orphanet 2869, MedGen C0031269, MeSH D010580, MONDO:0008280, OMIM 175200.

Allele frequency attached by ClinVar (database versions not stated): gnomAD 0.00001; TOPMed 0.00002.
gnomAD v4.1: 18 of 1,611,676 alleles (0.0011%); highest among the groups gnomAD compares: South Asian, 0.0022%; no homozygotes.

Submissions (8):

Labcorp Genetics (formerly Invitae), Labcorp
Classification: Likely benign for Peutz-Jeghers syndrome. Last evaluated: 2025-11-27. Review status: criteria provided, single submitter. Criteria: Invitae Variant Classification Sherloc (09022015). Collection method: clinical testing. Allele origin: germline.

Myriad Genetics, Inc.
Classification: Benign for Peutz-Jeghers syndrome. Last evaluated: 2025-03-28. Review status: criteria provided, single submitter. Criteria: Myriad Autosomal Dominant, Autosomal Recessive and X-Linked Classification Criteria (2023). Collection method: clinical testing. Allele origin: unknown.
Comment: This variant is considered benign. This variant is a silent/synonymous amino acid change and it is not expected to impact splicing.

Quest Diagnostics Nichols Institute San Juan Capistrano
Classification: Benign. Last evaluated: 2025-03-18. Review status: criteria provided, single submitter. Criteria: Quest Diagnostics criteria. Collection method: clinical testing. Allele origin: unknown.

Blueprint Genetics
Classification: Likely benign. Last evaluated: 2024-10-21. Review status: criteria provided, single submitter. Criteria: ACMG Guidelines, 2015. Collection method: clinical testing. Allele origin: germline.

All of Us Research Program, National Institutes of Health
Classification: Likely benign for Peutz-Jeghers syndrome. Last evaluated: 2023-10-27. Review status: criteria provided, single submitter. Criteria: ACMG Guidelines, 2015. Collection method: clinical testing. Allele origin: germline. Inheritance: Autosomal dominant inheritance. Observed: 4 variant alleles, 4 heterozygotes.
Comment: This study involves interpretation of variants in research participants for the purpose of population health screening. Participant phenotype was not available at the time of variant classification. Additional details can be found in publication PMID: 35346344, PMCID: PMC8962531

GeneDx
Classification: Likely benign. Last evaluated: 2019-05-14. Review status: criteria provided, single submitter. Criteria: GeneDx Variant Classification Process June 2021. Collection method: clinical testing. Allele origin: germline. Affected: yes.
Comment: This variant is associated with the following publications: (PMID: 26010451)

Color Diagnostics, LLC DBA Color Health
Classification: Likely benign for Hereditary cancer-predisposing syndrome. Last evaluated: 2017-01-12. Review status: criteria provided, single submitter. Criteria: ACMG Guidelines, 2015. Collection method: clinical testing. Allele origin: germline.

Ambry Genetics
Classification: Likely benign for Hereditary cancer-predisposing syndrome. Last evaluated: 2015-07-07. Review status: criteria provided, single submitter. Criteria: Ambry Variant Classification Scheme 2023. Collection method: clinical testing. Allele origin: germline.